The following is an entry in ClinVar:

ClinVar aggregate classification (germline): Uncertain significance (1 of 4 stars; one submission).

Conditions:
KMT2B-related disorder. Also called: KMT2B-related disorders; KMT2B-related condition. Identifiers: MedGen CN381338.

Submission:

PreventionGenetics, part of Exact Sciences
Classification: Uncertain significance for KMT2B-related condition. Last evaluated: 2026-04-03. Review status: criteria provided, single submitter. Criteria: ACMG Guidelines, 2015. Collection method: clinical testing. Allele origin: germline.
Comment: The KMT2B c.474G>A variant is not predicted to result in an amino acid change (p.=). This variant is predicted to alter splicing based on an available splicing prediction program (SpliceAI, Jaganathan et al. 2019. PubMed ID: 30661751). However, the use of computer prediction programs is not equivalent to functional evidence. To our knowledge, this variant has not been reported in the literature or in a large population database (gnomAD), indicating this variant is rare. At this time, the clinical significance of this variant is uncertain due to the absence of conclusive functional and genetic evidence.

NM_014727.3(KMT2B):c.474G>A (p.Thr158=)

Gene: KMT2B (lysine methyltransferase 2B; plus strand). Cytogenetic location: 19q13.12.
Variant type: single nucleotide variant.
Coding change: c.474G>A on transcript NM_014727.3 (MANE Select); coding-DNA position 474, G replaced by A.
Protein change: p.Thr158=; no amino-acid change (threonine 158 retained).
Molecular consequence: synonymous variant.
Genome position (GRCh38, 1-based): chr19:35,719,821, G>A. VCF-style: chr19-35719821-G-A. GRCh37 (hg19) VCF-style: chr19-36210723-G-A.
Identifiers: ClinVar variation 4994276 (VCV004994276.1).